The following is an entry in ClinVar:

ClinVar aggregate classification (germline): Pathogenic/Likely pathogenic. Review status: criteria provided, multiple submitters, no conflicts (2 of 4 stars). 5 submissions from 5 submitters: Pathogenic (2); Likely pathogenic (3). Last evaluated 2025-09-13.

Conditions:
Cardiovascular phenotype. Identifiers: MedGen CN230736.
Catecholaminergic polymorphic ventricular tachycardia 2. Also called: VENTRICULAR TACHYCARDIA, STRESS-INDUCED POLYMORPHIC 2; CASQ2-Related Catecholaminergic Polymorphic Ventricular Tachycardia. Identifiers: Orphanet 3286, MedGen C2677794, MONDO:0012762, OMIM 611938.
Catecholaminergic polymorphic ventricular tachycardia 1. Also called: VENTRICULAR TACHYCARDIA, STRESS-INDUCED POLYMORPHIC 1; VENTRICULAR TACHYCARDIA, CATECHOLAMINERGIC POLYMORPHIC, 1, WITH OR WITHOUT ATRIAL DYSFUNCTION AND/OR DILATED CARDIOMYOPATHY; RYR2-Related Catecholaminergic Polymorphic Ventricular Tachycardia. Identifiers: Orphanet 3286, MedGen C1631597, MONDO:0011484, OMIM 604772.

Allele frequency attached by ClinVar (database versions not stated): gnomAD exomes 0.00001 and 0.00003; gnomAD 0.00002; TOPMed 0.00002.

Submissions (5):

Labcorp Genetics (formerly Invitae), Labcorp
Classification: Pathogenic for Catecholaminergic polymorphic ventricular tachycardia 1. Last evaluated: 2025-09-13. Review status: criteria provided, single submitter. Criteria: Invitae Variant Classification Sherloc (09022015). Collection method: clinical testing. Allele origin: germline.
Comment: This sequence change replaces tyrosine, which is neutral and polar, with cysteine, which is neutral and slightly polar, at codon 55 of the CASQ2 protein (p.Tyr55Cys). This variant is present in population databases (no rsID available, gnomAD 0.003%). This missense change has been observed in individual(s) with catecholaminergic polymorphic ventricular tachycardia (PMID: 18684293, 21618644). In at least one individual the data is consistent with being in trans (on the opposite chromosome) from a pathogenic variant. ClinVar contains an entry for this variant (Variation ID: 427946). Invitae Evidence Modeling of protein sequence and biophysical properties (such as structural, functional, and spatial information, amino acid conservation, physicochemical variation, residue mobility, and thermodynamic stability) indicates that this missense variant is expected to disrupt CASQ2 protein function with a positive predictive value of 80%. Experimental studies are conflicting or provide insufficient evidence to determine the effect of this variant on CASQ2 function (PMID: 32693635). For these reasons, this variant has been classified as Pathogenic.

Revvity Omics, Revvity
Classification: Pathogenic for Catecholaminergic polymorphic ventricular tachycardia 2. Last evaluated: 2025-06-19. Review status: criteria provided, single submitter. Criteria: ACMG Guidelines, 2015. Collection method: clinical testing. Allele origin: germline.

Ambry Genetics
Classification: Likely pathogenic for Cardiovascular phenotype. Last evaluated: 2024-09-27. Review status: criteria provided, single submitter. Criteria: Ambry Variant Classification Scheme 2023. Collection method: clinical testing. Allele origin: germline.
Comment: The p.Y55C variant (also known as c.164A>G), located in coding exon 1 of the CASQ2 gene, results from an A to G substitution at nucleotide position 164. The tyrosine at codon 55 is replaced by cysteine, an amino acid with highly dissimilar properties. This variant has been identified in conjunction with other CASQ2 variant(s) in individual(s) with features consistent with catecholaminergic polymorphic ventricular tachycardia (CPVT) (de la Fuente S et al. Pacing Clin Electrophysiol, 2008 Jul;31:916-9; Roux-Buisson N et al. Hum Mutat, 2011 Sep;32:995-9; Robyns T et al. Eur J Hum Genet, 2017 Dec;25:1313-1323; van Lint FHM et al. Neth Heart J, 2019 Jun;27:304-309; Ng K et al. Circulation, 2020 Sep;142:932-947; Bergeman AT et al. Neth Heart J, 2023 Nov;31:444-451). This variant is considered to be rare based on population cohorts in the Genome Aggregation Database (gnomAD). This amino acid position is not well conserved in available vertebrate species. In addition, the in silico prediction for this alteration is inconclusive. Based on the majority of available evidence to date, this variant is likely to be pathogenic.

Genome-Nilou Lab
Classification: Likely pathogenic for Catecholaminergic polymorphic ventricular tachycardia 2. Last evaluated: 2023-04-11. Review status: criteria provided, single submitter. Criteria: ACMG Guidelines, 2015. Collection method: clinical testing. Allele origin: germline. Affected: no.

Center for Human Genetics, University of Leuven
Classification: Likely pathogenic for Catecholaminergic polymorphic ventricular tachycardia 2. Last evaluated: 2017-02-09. Review status: criteria provided, single submitter. Criteria: ACMG Guidelines, 2015. Collection method: clinical testing. Allele origin: germline. Inheritance: Autosomal recessive inheritance. Affected: yes. Observed: 2 variant alleles, 2 compound heterozygotes.
Comment: ACMG score likely pathogenic

Literature cited by the submitters: PubMed 18684293 (cited by Labcorp Genetics (formerly Invitae), Labcorp and Ambry Genetics); PubMed 21618644 (cited by Labcorp Genetics (formerly Invitae), Labcorp and Ambry Genetics); PubMed 32693635 (cited by Labcorp Genetics (formerly Invitae), Labcorp and Ambry Genetics); PubMed 29255176 (cited by Ambry Genetics); PubMed 30847666 (cited by Ambry Genetics); PubMed 37347419 (cited by Ambry Genetics).

NM_001232.4(CASQ2):c.164A>G (p.Tyr55Cys)

Gene: CASQ2 (calsequestrin 2; minus strand). Cytogenetic location: 1p13.1.
Variant type: single nucleotide variant.
Coding change: c.164A>G on transcript NM_001232.4 (MANE Select); coding-DNA position 164, A replaced by G.
Protein change: p.Tyr55Cys; replaces tyrosine 55 with cysteine.
Molecular consequence: missense variant.
Genome position (GRCh38, 1-based): chr1:115,768,378, T>C on the plus strand (A>G on the coding strand, the complement: CASQ2 is on the minus strand). VCF-style: chr1-115768378-T-C. GRCh37 (hg19) VCF-style: chr1-116310999-T-C.
Other names: short protein forms Y55C.
Identifiers: ClinVar variation 427946 (VCV000427946.18), dbSNP rs1436844070, ClinGen allele CA341767114.
Genomic context (GRCh38, chr1:115,768,378, plus strand): 5'-ATTTCTTTCAGTTGGAACTGTTTTTGCGTGACCTTATCTGAAGACACCGGCTCATGGTAG[T>C]AGAGGCAAAGCAAGTCATATTTCTTTAAAACCTGCTTGAAGTTCTTCTCGGAAAGACTTA-3'
Protein context (NP_001223.2, residues 45-65): VLKKYDLLCL[Tyr55Cys]YHEPVSSDKV